The following is an entry in ClinVar:

NM_005502.4(ABCA1):c.3103+4C>T

Gene: ABCA1 (ATP binding cassette subfamily A member 1; minus strand). Cytogenetic location: 9q31.1.
Variant type: single nucleotide variant.
Coding change: c.3103+4C>T on transcript NM_005502.4 (MANE Select); 4 bases into the intron after coding-DNA position 3103, C replaced by T.
Molecular consequence: intron variant.
Genome position (GRCh38, 1-based): chr9:104,819,923, G>A on the plus strand (C>T on the coding strand, the complement: ABCA1 is on the minus strand). VCF-style: chr9-104819923-G-A. GRCh37 (hg19) VCF-style: chr9-107582204-G-A.
Identifiers: ClinVar variation 3077911 (VCV003077911.1), dbSNP rs1259056486, ClinGen allele CA590046572.

ClinVar aggregate classification (germline): Uncertain significance (1 of 4 stars; one submission).

Conditions:
Cardiovascular phenotype. Identifiers: MedGen CN230736.

gnomAD v4.1: 33 of 1,612,324 alleles (0.002%); highest among the groups gnomAD compares: South Asian, 0.014%; 1 homozygote.

Submission:

Ambry Genetics
Classification: Uncertain significance for Cardiovascular phenotype. Last evaluated: 2024-01-02. Review status: criteria provided, single submitter. Criteria: Ambry Variant Classification Scheme 2023. Collection method: clinical testing. Allele origin: germline.
Comment: The c.3103+4C>T intronic alteration consists of a C to T substitution nucleotides after coding exon 20 in the ABCA1 gene. Based on insufficient or conflicting evidence, the clinical significance of this alteration remains unclear.